The following is an entry in ClinVar:

NM_020207.7(ERCC6L2):c.1157G>A (p.Arg386Gln)

Gene: ERCC6L2 (ERCC excision repair 6 like 2; plus strand). Cytogenetic location: 9q22.32.
Variant type: single nucleotide variant.
Coding change: c.1157G>A on transcript NM_020207.7 (MANE Select); coding-DNA position 1157, G replaced by A.
Protein change: p.Arg386Gln; replaces arginine 386 with glutamine.
Molecular consequence: missense variant. On other transcripts: non-coding transcript variant (1).
Genome position (GRCh38, 1-based): chr9:95,916,433, G>A. VCF-style: chr9-95916433-G-A. GRCh37 (hg19) VCF-style: chr9-98678715-G-A.
Other names: c.1157G>A, p.Arg386Gln (NM_001010895.4, NM_001375291.1, NM_001375292.1 and 2 more transcripts); c.1190G>A (NM_001010895.2); short protein forms R386Q.
Identifiers: ClinVar variation 1471332 (VCV001471332.7), dbSNP rs771393305, ClinGen allele CA5139467.

ClinVar aggregate classification (germline): Uncertain significance. Review status: criteria provided, multiple submitters, no conflicts (2 of 4 stars). 2 submissions from 2 submitters: Uncertain significance (2). Last evaluated 2024-05-19.

Conditions:
ERCC6L2-related disorder. Also called: ERCC6L2-related condition.

Allele frequency attached by ClinVar (database versions not stated): gnomAD exomes 0.00001; ExAC 0.00001.
gnomAD v4.1: 12 of 1,551,110 alleles (0.00077%); highest among the groups gnomAD compares: South Asian, 0.0025%; no homozygotes.

Submissions (2):

Labcorp Genetics (formerly Invitae), Labcorp
Classification: Uncertain significance. Last evaluated: 2024-05-19. Review status: criteria provided, single submitter. Criteria: Invitae Variant Classification Sherloc (09022015). Collection method: clinical testing. Allele origin: germline.
Comment: This sequence change replaces arginine, which is basic and polar, with glutamine, which is neutral and polar, at codon 397 of the ERCC6L2 protein (p.Arg397Gln). The frequency data for this variant in the population databases is considered unreliable, as metrics indicate poor data quality at this position in the gnomAD database. This variant has not been reported in the literature in individuals affected with ERCC6L2-related conditions. ClinVar contains an entry for this variant (Variation ID: 1471332). Experimental studies and prediction algorithms are not available or were not evaluated, and the functional significance of this variant is currently unknown. In summary, the available evidence is currently insufficient to determine the role of this variant in disease. Therefore, it has been classified as a Variant of Uncertain Significance.

PreventionGenetics, part of Exact Sciences
Classification: Uncertain significance for ERCC6L2-related condition. Last evaluated: 2023-08-20. Review status: criteria provided, single submitter. Criteria: ACMG Guidelines, 2015. Collection method: clinical testing. Allele origin: germline.
Comment: The ERCC6L2 c.1190G>A variant is predicted to result in the amino acid substitution p.Arg397Gln. To our knowledge, this variant has not been reported in the literature. This variant is reported in 0.0049% of alleles in individuals of South Asian descent in gnomAD. At this time, the clinical significance of this variant is uncertain due to the absence of conclusive functional and genetic evidence.